The following is an entry in ClinVar:

ClinVar aggregate classification (germline): Uncertain significance (1 of 4 stars; one submission).

Conditions:
Hypertrophic cardiomyopathy. Also called: HYPERTROPHIC MYOCARDIOPATHY. Identifiers: Orphanet 217569, MedGen C0007194, MeSH D002312, MONDO:0005045, HP:0001639.

Allele frequency attached by ClinVar (database versions not stated): TOPMed 0.00001; gnomAD 0.00001.
gnomAD v4.1: 3 of 1,605,212 alleles (0.00019%); highest among the groups gnomAD compares: Admixed American, 0.0017%; no homozygotes.

Submission:

Labcorp Genetics (formerly Invitae), Labcorp
Classification: Uncertain significance for Hypertrophic cardiomyopathy. Last evaluated: 2021-12-23. Review status: criteria provided, single submitter. Criteria: Invitae Variant Classification Sherloc (09022015). Collection method: clinical testing. Allele origin: germline.
Comment: The frequency data for this variant in the population databases is considered unreliable, as metrics indicate poor data quality at this position in the gnomAD database. In summary, the available evidence is currently insufficient to determine the role of this variant in disease. Therefore, it has been classified as a Variant of Uncertain Significance. Algorithms developed to predict the effect of sequence changes on RNA splicing suggest that this variant may create or strengthen a splice site. Algorithms developed to predict the effect of missense changes on protein structure and function are either unavailable or do not agree on the potential impact of this missense change (SIFT: "Tolerated"; PolyPhen-2: "Probably Damaging"; Align-GVGD: "Class C0"). This variant has not been reported in the literature in individuals affected with MYOM1-related conditions. This sequence change replaces leucine, which is neutral and non-polar, with phenylalanine, which is neutral and non-polar, at codon 1443 of the MYOM1 protein (p.Leu1443Phe).

NM_003803.4(MYOM1):c.4327C>T (p.Leu1443Phe)

Gene: MYOM1 (myomesin 1; minus strand). Cytogenetic location: 18p11.31.
Variant type: single nucleotide variant.
Coding change: c.4327C>T on transcript NM_003803.4 (MANE Select); coding-DNA position 4327, C replaced by T.
Protein change: p.Leu1443Phe; replaces leucine 1443 with phenylalanine.
Molecular consequence: missense variant.
Genome position (GRCh38, 1-based): chr18:3,085,057, G>A on the plus strand (C>T on the coding strand, the complement: MYOM1 is on the minus strand). VCF-style: chr18-3085057-G-A. GRCh37 (hg19) VCF-style: chr18-3085055-G-A.
Other names: c.4039C>T, p.Leu1347Phe (NM_019856.2); short protein forms L1443F, L1347F.
Identifiers: ClinVar variation 2055261 (VCV002055261.4), dbSNP rs1334761787, ClinGen allele CA401710183.
Genomic context (GRCh38, chr18:3,085,057, plus strand): 5'-CTGTATGCAGAAACACACAAGACAGACCCCAGCAGTTGGTGGACTGACCTTCATCCACAA[G>A]CTTCAGTCTGCTCTTATCTTTTCCTCGGTCATCTTTCAGGATAACTTCATAAATCCCAGC-3'
Protein context (NP_003794.3, residues 1433-1453): DRGKDKSRLK[Leu1443Phe]VDEAFKELMM